The following is an entry in ClinVar:

ClinVar aggregate classification (germline): Uncertain significance (1 of 4 stars; one submission).

Submission:

Labcorp Genetics (formerly Invitae), Labcorp
Classification: Uncertain significance. Last evaluated: 2023-12-07. Review status: criteria provided, single submitter. Criteria: Invitae Variant Classification Sherloc (09022015). Collection method: clinical testing. Allele origin: germline.
Comment: This sequence change replaces leucine, which is neutral and non-polar, with phenylalanine, which is neutral and non-polar, at codon 65 of the PET100 protein (p.Leu65Phe). This variant is not present in population databases (gnomAD no frequency). This variant has not been reported in the literature in individuals affected with PET100-related conditions. ClinVar contains an entry for this variant (Variation ID: 2042220). An algorithm developed to predict the effect of missense changes on protein structure and function (PolyPhen-2) suggests that this variant is likely to be disruptive. In summary, the available evidence is currently insufficient to determine the role of this variant in disease. Therefore, it has been classified as a Variant of Uncertain Significance.

NM_001171155.2(PET100):c.193C>T (p.Leu65Phe)

Genes: PET100 (PET100 cytochrome c oxidase chaperone; plus strand), STXBP2 (syntaxin binding protein 2; plus strand). Cytogenetic location: 19p13.2.
Variant type: single nucleotide variant.
Coding change: c.193C>T on transcript NM_001171155.2 (MANE Select); coding-DNA position 193, C replaced by T.
Protein change: p.Leu65Phe; replaces leucine 65 with phenylalanine.
Molecular consequence: missense variant. On other transcripts: non-coding transcript variant (1).
Genome position (GRCh38, 1-based): chr19:7,631,527, C>T. VCF-style: chr19-7631527-C-T. GRCh37 (hg19) VCF-style: chr19-7696413-C-T.
Other names: short protein forms L65F.
Identifiers: ClinVar variation 2042220 (VCV002042220.4), dbSNP rs1186649660, ClinGen allele CA403154102.
Genomic context (GRCh38, chr19:7,631,527, plus strand): 5'-CCCTAGCTTCAAGAGATAGAGGAATTCAAAGAGAGGTTACGGAAGCGGCGGGAGGAGAAG[C>T]TCCTTCGCGACGCCCAGCAGAACTCCTGAGGCCTCCAAGTGGGAGTCCTAGCCCCTCCCC-3'
Protein context (NP_001164626.1, residues 55-73): ERLRKRREEK[Leu65Phe]LRDAQQNS